The following is an entry in ClinVar:

NM_017514.5(PLXNA3):c.2646C>T (p.Asn882=)

Gene: PLXNA3 (plexin A3; plus strand). Cytogenetic location: Xq28.
Variant type: single nucleotide variant.
Coding change: c.2646C>T on transcript NM_017514.5 (MANE Select); coding-DNA position 2646, C replaced by T.
Protein change: p.Asn882=; no amino-acid change (asparagine 882 retained).
Molecular consequence: synonymous variant.
Genome position (GRCh38, 1-based): chrX:154,466,048, C>T. VCF-style: chrX-154466048-C-T. GRCh37 (hg19) VCF-style: chrX-153694391-C-T.
Identifiers: ClinVar variation 3355749 (VCV003355749.1).

ClinVar aggregate classification (germline): Likely benign (0 of 4 stars; one submission).

Conditions:
PLXNA3-related disorder. Also called: PLXNA3-related condition.

Submission:

PreventionGenetics, part of Exact Sciences
Classification: Likely benign for PLXNA3-related condition. Last evaluated: 2022-01-27. Review status: no assertion criteria provided. Collection method: clinical testing. Allele origin: germline.
Comment: This variant is classified as likely benign based on ACMG/AMP sequence variant interpretation guidelines (Richards et al. 2015 PMID: 25741868, with internal and published modifications).